The following is an entry in ClinVar:

ClinVar aggregate classification (germline): Uncertain significance. Review status: criteria provided, multiple submitters, no conflicts (2 of 4 stars). 2 submissions from 2 submitters: Uncertain significance (2). Last evaluated 2025-04-12.

Conditions:
Hereditary cancer-predisposing syndrome. Also called: Neoplastic Syndromes, Hereditary; Tumor predisposition; Hereditary Cancer Syndrome; Hereditary neoplastic syndrome. Identifiers: Orphanet 140162, MedGen C0027672, MeSH D009386, MONDO:0015356.
Tumor predisposition syndrome 3 (TPDS3). Also called: Glioma susceptibility 9; LONG TELOMERE SYNDROME, POT1-RELATED; POT1 Tumor Predisposition; Melanoma, cutaneous malignant, susceptibility to, 10. Identifiers: Orphanet 618, MedGen C4014476, MONDO:0014368, OMIM 615848.

Submissions (2):

Ambry Genetics
Classification: Uncertain significance for Hereditary cancer-predisposing syndrome. Last evaluated: 2025-04-12. Review status: criteria provided, single submitter. Criteria: Ambry Variant Classification Scheme 2023. Collection method: clinical testing. Allele origin: germline.
Comment: The p.K234E variant (also known as c.700A>G), located in coding exon 5 of the POT1 gene, results from an A to G substitution at nucleotide position 700. The lysine at codon 234 is replaced by glutamic acid, an amino acid with similar properties. This amino acid position is conserved. In addition, this alteration is predicted to be tolerated by in silico analysis. Based on the available evidence, the clinical significance of this variant remains unclear.

Labcorp Genetics (formerly Invitae), Labcorp
Classification: Uncertain significance for Tumor predisposition syndrome 3. Last evaluated: 2019-04-25. Review status: criteria provided, single submitter. Criteria: Invitae Variant Classification Sherloc (09022015). Collection method: clinical testing. Allele origin: germline.
Comment: In summary, the available evidence is currently insufficient to determine the role of this variant in disease. Therefore, it has been classified as a Variant of Uncertain Significance. Algorithms developed to predict the effect of missense changes on protein structure and function are either unavailable or do not agree on the potential impact of this missense change (SIFT: "Deleterious"; PolyPhen-2: "Benign"; Align-GVGD: "Class C55"). This variant has not been reported in the literature in individuals with POT1-related conditions. This variant is not present in population databases (ExAC no frequency). This sequence change replaces lysine with glutamic acid at codon 234 of the POT1 protein (p.Lys234Glu). The lysine residue is highly conserved and there is a small physicochemical difference between lysine and glutamic acid.

NM_015450.3(POT1):c.700A>G (p.Lys234Glu)

Gene: POT1 (protection of telomeres 1; minus strand). Cytogenetic location: 7q31.33.
Variant type: single nucleotide variant.
Coding change: c.700A>G on transcript NM_015450.3 (MANE Select); coding-DNA position 700, A replaced by G.
Protein change: p.Lys234Glu; replaces lysine 234 with glutamic acid.
Molecular consequence: missense variant. On other transcripts: non-coding transcript variant (3).
Genome position (GRCh38, 1-based): chr7:124,858,959, T>C on the plus strand (A>G on the coding strand, the complement: POT1 is on the minus strand). VCF-style: chr7-124858959-T-C. GRCh37 (hg19) VCF-style: chr7-124499013-T-C.
Other names: c.307A>G, p.Lys103Glu (NM_001042594.2); short protein forms K234E, K103E.
Identifiers: ClinVar variation 946371 (VCV000946371.10), dbSNP rs1795514285, ClinGen allele CA369055973.